The following is an entry in ClinVar:

NM_207118.3(GTF2H5):c.1A>G (p.Met1Val)

Gene: GTF2H5 (general transcription factor IIH subunit 5; plus strand). Cytogenetic location: 6q25.3.
Variant type: single nucleotide variant.
Coding change: c.1A>G on transcript NM_207118.3 (MANE Select); coding-DNA position 1, A replaced by G.
Protein change: p.Met1Val; changes the start codon (methionine 1).
Molecular consequence: missense variant, initiator codon variant.
Genome position (GRCh38, 1-based): chr6:158,170,504, A>G. VCF-style: chr6-158170504-A-G. GRCh37 (hg19) VCF-style: chr6-158591536-A-G.
Other names: short protein forms M1V.
Identifiers: ClinVar variation 4747548 (VCV004747548.1).

ClinVar aggregate classification (germline): Pathogenic (1 of 4 stars; one submission).

Submission:

Labcorp Genetics (formerly Invitae), Labcorp
Classification: Pathogenic. Last evaluated: 2025-02-25. Review status: criteria provided, single submitter. Criteria: Invitae Variant Classification Sherloc (09022015). Collection method: clinical testing. Allele origin: germline.
Comment: This sequence change affects the initiator methionine of the GTF2H5 mRNA. The next in-frame methionine is located at codon 16. This variant is present in population databases (rs758906373, gnomAD no frequency). Disruption of the initiator codon has been observed in individuals with trichothiodystrophy (PMID: 15220921, 26863999, 31618753). It has also been observed to segregate with disease in related individuals. For these reasons, this variant has been classified as Pathogenic.

Literature cited by the submitters: PubMed 15220921; PubMed 26863999; PubMed 31618753.